The following is an entry in ClinVar:

NM_001085411.3(NADK2):c.185C>G (p.Ala62Gly)

Genes: NADK2 (NAD kinase 2, mitochondrial; minus strand), LOC129993801 (ATAC-STARR-seq lymphoblastoid silent region 15972; plus strand). Cytogenetic location: 5p13.2.
Variant type: single nucleotide variant.
Coding change: c.185C>G on transcript NM_001085411.3 (MANE Select); coding-DNA position 185, C replaced by G.
Protein change: p.Ala62Gly; replaces alanine 62 with glycine.
Molecular consequence: missense variant. On other transcripts: intron variant (2).
Genome position (GRCh38, 1-based): chr5:36,241,614, G>C on the plus strand (C>G on the coding strand, the complement: NADK2 is on the minus strand). VCF-style: chr5-36241614-G-C. GRCh37 (hg19) VCF-style: chr5-36241716-G-C.
Other names: c.-190+482C>G (NM_153013.5, NM_001287341.2); short protein forms A62G.
Identifiers: ClinVar variation 1437781 (VCV001437781.6), dbSNP rs1446415850, ClinGen allele CA359447835.

ClinVar aggregate classification (germline): Uncertain significance (1 of 4 stars; one submission).

Conditions:
Progressive encephalopathy with leukodystrophy due to DECR deficiency. Identifiers: Orphanet 431361, MedGen C1857252, MONDO:0014464, OMIM 616034.

gnomAD v4.1: 3 of 1,490,022 alleles (0.0002%); highest among the groups gnomAD compares: South Asian, 0.0025%; no homozygotes.

Submission:

Labcorp Genetics (formerly Invitae), Labcorp
Classification: Uncertain significance for Progressive encephalopathy with leukodystrophy due to DECR deficiency. Last evaluated: 2022-07-06. Review status: criteria provided, single submitter. Criteria: Invitae Variant Classification Sherloc (09022015). Collection method: clinical testing. Allele origin: germline.
Comment: In summary, the available evidence is currently insufficient to determine the role of this variant in disease. Therefore, it has been classified as a Variant of Uncertain Significance. Algorithms developed to predict the effect of missense changes on protein structure and function (SIFT, PolyPhen-2, Align-GVGD) all suggest that this variant is likely to be tolerated. ClinVar contains an entry for this variant (Variation ID: 1437781). This variant has not been reported in the literature in individuals affected with NADK2-related conditions. This variant is not present in population databases (gnomAD no frequency). This sequence change replaces alanine, which is neutral and non-polar, with glycine, which is neutral and non-polar, at codon 62 of the NADK2 protein (p.Ala62Gly).